The following is an entry in ClinVar:

ClinVar aggregate classification (germline): Uncertain significance (1 of 4 stars; one submission).

Submission:

GeneDx
Classification: Uncertain significance. Last evaluated: 2026-03-11. Review status: criteria provided, single submitter. Criteria: GeneDx Variant Classification Process June 2021. Collection method: clinical testing. Allele origin: germline.
Comment: Not observed at significant frequency in large population cohorts (gnomAD); In silico analysis suggests that this missense variant does not alter protein structure/function; Has not been previously published as pathogenic or benign to our knowledge

NM_206933.4(USH2A):c.10473A>C (p.Arg3491Ser)

Gene: USH2A (usherin; minus strand). Cytogenetic location: 1q41.
Variant type: single nucleotide variant.
Coding change: c.10473A>C on transcript NM_206933.4 (MANE Select); coding-DNA position 10473, A replaced by C.
Protein change: p.Arg3491Ser; replaces arginine 3491 with serine.
Molecular consequence: missense variant.
Genome position (GRCh38, 1-based): chr1:215,782,850, T>G on the plus strand (A>C on the coding strand, the complement: USH2A is on the minus strand). VCF-style: chr1-215782850-T-G. GRCh37 (hg19) VCF-style: chr1-215956192-T-G.
Other names: short protein forms R3491S.
Identifiers: ClinVar variation 5008462 (VCV005008462.1).
Genomic context (GRCh38, chr1:215,782,850, plus strand): 5'-GTCTATTTTGGTCCACGTAGGGGGACTCACTCCTTGAGGCACATCTTCTTTTGTTCTGGC[T>G]CTCACAGCTTTGCTGAGTCCTCGCCCATAGCTGTTCCAGGCAGAAATCCTGTACTCATAT-3'
Protein context (NP_996816.3, residues 3481-3501): SYGRGLSKAV[Arg3491Ser]ARTKEDVPQG